The following is an entry in ClinVar:

NM_000836.4(GRIN2D):c.2782G>T (p.Gly928Trp)

Gene: GRIN2D (glutamate ionotropic receptor NMDA type subunit 2D; plus strand). Cytogenetic location: 19q13.33.
Variant type: single nucleotide variant.
Coding change: c.2782G>T on transcript NM_000836.4 (MANE Select); coding-DNA position 2782, G replaced by T.
Protein change: p.Gly928Trp; replaces glycine 928 with tryptophan.
Molecular consequence: missense variant.
Genome position (GRCh38, 1-based): chr19:48,442,708, G>T. VCF-style: chr19-48442708-G-T. GRCh37 (hg19) VCF-style: chr19-48945965-G-T.
Other names: short protein forms G928W.
Identifiers: ClinVar variation 2650204 (VCV002650204.24), dbSNP rs1246764246, ClinGen allele CA406673632.

ClinVar aggregate classification (germline): Uncertain significance (1 of 4 stars; one submission).

Submission:

CeGaT Center for Human Genetics Tuebingen
Classification: Uncertain significance. Last evaluated: 2023-03-01. Review status: criteria provided, single submitter. Criteria: CeGaT Center For Human Genetics Tuebingen Variant Classification Criteria Version 2. Collection method: clinical testing. Allele origin: germline. Affected: yes. Observed: 1 variant allele.
Comment: GRIN2D: PM2, PP2